The following is an entry in ClinVar:

ClinVar aggregate classification (germline): Uncertain significance (1 of 4 stars; one submission).

Allele frequency attached by ClinVar (database versions not stated): gnomAD 0.00001; gnomAD exomes 0.00004; ExAC 0.00007.
gnomAD v4.1: 13 of 1,613,948 alleles (0.00081%); highest among the groups gnomAD compares: Non-Finnish European, 0.0011%; 1 homozygote.

Submission:

Labcorp Genetics (formerly Invitae), Labcorp
Classification: Uncertain significance. Last evaluated: 2020-07-23. Review status: criteria provided, single submitter. Criteria: Invitae Variant Classification Sherloc (09022015). Collection method: clinical testing. Allele origin: germline.
Comment: This variant has not been reported in the literature in individuals with RNF43-related conditions. This variant is present in population databases (rs751796204, ExAC 0.01%), and has an allele count higher than expected for a pathogenic variant (PMID: 28166811). This sequence change replaces histidine with aspartic acid at codon 183 of the RNF43 protein (p.His183Asp). The histidine residue is weakly conserved and there is a moderate physicochemical difference between histidine and aspartic acid. Algorithms developed to predict the effect of missense changes on protein structure and function (SIFT, PolyPhen-2, Align-GVGD) all suggest that this variant is likely to be tolerated, but these predictions have not been confirmed by published functional studies and their clinical significance is uncertain. In summary, the available evidence is currently insufficient to determine the role of this variant in disease. Therefore, it has been classified as a Variant of Uncertain Significance.

Literature cited by the submitters: PubMed 28166811.

NM_017763.6(RNF43):c.547C>G (p.His183Asp)

Gene: RNF43 (ring finger protein 43; minus strand). Cytogenetic location: 17q22.
Variant type: single nucleotide variant.
Coding change: c.547C>G on transcript NM_017763.6 (MANE Select); coding-DNA position 547, C replaced by G.
Protein change: p.His183Asp; replaces histidine 183 with aspartic acid.
Molecular consequence: missense variant.
Genome position (GRCh38, 1-based): chr17:58,363,310, G>C on the plus strand (C>G on the coding strand, the complement: RNF43 is on the minus strand). VCF-style: chr17-58363310-G-C. GRCh37 (hg19) VCF-style: chr17-56440671-G-C.
Other names: c.547C>G, p.His183Asp (NM_001305544.3); c.166C>G, p.His56Asp (NM_001305545.2); short protein forms H183D, H56D.
Identifiers: ClinVar variation 1011923 (VCV001011923.8), dbSNP rs751796204, ClinGen allele CA8673389.
Genomic context (GRCh38, chr17:58,363,310, plus strand): 5'-AGGTCTGGAGGTCTAGTGTGCTTACCCAGGCCGGGGGCTCCTTCAGCTCAATCCTCACAT[G>C]GGCCTTTTGGTTCTTGTACACAAACTCCATCAGCTTCTCAGCGTCATTACCCCAGATCAA-3'
Protein context (NP_060233.3, residues 173-193): MEFVYKNQKA[His183Asp]VRIELKEPPA